The following is an entry in ClinVar:

NM_000264.5(PTCH1):c.3755A>G (p.His1252Arg)

Gene: PTCH1 (patched 1; minus strand). Cytogenetic location: 9q22.32.
Variant type: single nucleotide variant.
Coding change: c.3755A>G on transcript NM_000264.5 (MANE Select); coding-DNA position 3755, A replaced by G.
Protein change: p.His1252Arg; replaces histidine 1252 with arginine.
Molecular consequence: missense variant. On other transcripts: non-coding transcript variant (1).
Genome position (GRCh38, 1-based): chr9:95,449,118, T>C on the plus strand (A>G on the coding strand, the complement: PTCH1 is on the minus strand). VCF-style: chr9-95449118-T-C. GRCh37 (hg19) VCF-style: chr9-98211400-T-C.
Other names: c.3557A>G, p.His1186Arg (NM_001083602.3); c.3752A>G, p.His1251Arg (NM_001083603.3); c.3302A>G, p.His1101Arg (NM_001083604.3, NM_001083605.3, NM_001083606.3 and 1 more transcripts); c.3599A>G, p.His1200Arg (NM_001354918.2); short protein forms H1101R, H1186R, H1252R, H1200R, H1251R.
Identifiers: ClinVar variation 957299 (VCV000957299.11), dbSNP rs1838210172, ClinGen allele CA374111004.
Genomic context (GRCh38, chr9:95,449,118, plus strand): 5'-GAGTCACTTACAGTGGAGTGGGCGAAGACGGGGTTTTCTGTGGCTTCCACGATCACTTGG[T>C]GGGCAGGGCCTCCCGCGCCCTGCTGGGCCTCGTAGTGCCGAAGCTCCTCGCTGAGGCCTG-3'
Protein context (NP_000255.2, residues 1242-1262): EAQQGAGGPA[His1252Arg]QVIVEATENP

ClinVar aggregate classification (germline): Uncertain significance. Review status: criteria provided, multiple submitters, no conflicts (2 of 4 stars). 2 submissions from 2 submitters: Uncertain significance (2). Last evaluated 2025-06-10.

Conditions:
Gorlin syndrome. Also called: Basal cell nevus syndrome; Nevoid Basal Cell Carcinoma Syndrome. Identifiers: Orphanet 377, MedGen C0004779, MONDO:0007187.
Hereditary cancer-predisposing syndrome. Also called: Hereditary neoplastic syndrome; Tumor predisposition; Neoplastic Syndromes, Hereditary; Hereditary Cancer Syndrome. Identifiers: Orphanet 140162, MedGen C0027672, MeSH D009386, MONDO:0015356.

Allele frequency attached by ClinVar (database versions not stated): gnomAD exomes below 0.00001.
gnomAD v4.1: 1 of 1,614,176 alleles (0.000062%); highest among the groups gnomAD compares: Non-Finnish European, 0.000085%; no homozygotes.

Submissions (2):

Labcorp Genetics (formerly Invitae), Labcorp
Classification: Uncertain significance for Gorlin syndrome. Last evaluated: 2025-06-10. Review status: criteria provided, single submitter. Criteria: Invitae Variant Classification Sherloc (09022015). Collection method: clinical testing. Allele origin: germline.
Comment: This sequence change replaces histidine, which is basic and polar, with arginine, which is basic and polar, at codon 1252 of the PTCH1 protein (p.His1252Arg). This variant is not present in population databases (gnomAD no frequency). This variant has not been reported in the literature in individuals affected with PTCH1-related conditions. ClinVar contains an entry for this variant (Variation ID: 957299). Invitae Evidence Modeling of protein sequence and biophysical properties (such as structural, functional, and spatial information, amino acid conservation, physicochemical variation, residue mobility, and thermodynamic stability) indicates that this missense variant is not expected to disrupt PTCH1 protein function with a negative predictive value of 95%. In summary, the available evidence is currently insufficient to determine the role of this variant in disease. Therefore, it has been classified as a Variant of Uncertain Significance.

Ambry Genetics
Classification: Uncertain significance for Hereditary cancer-predisposing syndrome. Last evaluated: 2022-05-12. Review status: criteria provided, single submitter. Criteria: Ambry Variant Classification Scheme 2023. Collection method: clinical testing. Allele origin: germline.
Comment: The p.H1252R variant (also known as c.3755A>G), located in coding exon 22 of the PTCH1 gene, results from an A to G substitution at nucleotide position 3755. The histidine at codon 1252 is replaced by arginine, an amino acid with highly similar properties. This amino acid position is conserved. In addition, this alteration is predicted to be tolerated by in silico analysis. Since supporting evidence is limited at this time, the clinical significance of this alteration remains unclear.